The following is an entry in ClinVar:

NM_000321.3(RB1):c.2213C>A (p.Thr738Lys)

Gene: RB1 (RB transcriptional corepressor 1; plus strand). Cytogenetic location: 13q14.2.
Variant type: single nucleotide variant.
Coding change: c.2213C>A on transcript NM_000321.3 (MANE Select); coding-DNA position 2213, C replaced by A.
Protein change: p.Thr738Lys; replaces threonine 738 with lysine.
Molecular consequence: missense variant.
Genome position (GRCh38, 1-based): chr13:48,464,999, C>A. VCF-style: chr13-48464999-C-A. GRCh37 (hg19) VCF-style: chr13-49039135-C-A.
Other names: c.2213C>A, p.Thr738Lys (NM_001407165.1); short protein forms T738K.
Identifiers: ClinVar variation 3071010 (VCV003071010.1), dbSNP rs1593539110, ClinGen allele CA388167455.

ClinVar aggregate classification (germline): Uncertain significance (1 of 4 stars; one submission).

Conditions:
Retinoblastoma (RB1). Also called: RETINOBLASTOMA, SOMATIC. Identifiers: Orphanet 790, MedGen C0035335, MeSH D012175, MONDO:0008380, OMIM 180200, HP:0009919. Disease mechanism: loss of function. Inheritance: Both sporadic and heritable forms are tested..

Submission:

All of Us Research Program, National Institutes of Health
Classification: Uncertain significance for Retinoblastoma. Last evaluated: 2023-08-15. Review status: criteria provided, single submitter. Criteria: ACMG Guidelines, 2015. Collection method: clinical testing. Allele origin: germline. Inheritance: Autosomal dominant inheritance. Observed: 1 variant allele, 1 heterozygote.
Comment: This missense variant replaces threonine with lysine at codon 738 of the RB1 protein. Computational prediction suggests that this variant may have deleterious impact on protein structure and function (internally defined REVEL score threshold >= 0.7, PMID: 27666373). To our knowledge, functional studies have not been reported for this variant. This variant has been reported in a pediatric patient affected with unilateral retinoblastoma (PMID: 34456592). This variant has not been identified in the general population by the Genome Aggregation Database (gnomAD). The available evidence is insufficient to determine the role of this variant in disease conclusively. Therefore, this variant is classified as a Variant of Uncertain Significance.

This study involves interpretation of variants in research participants for the purpose of population health screening. Participant phenotype was not available at the time of variant classification. Additional details can be found in publication PMID: 35346344, PMCID: PMC8962531

Literature cited by the submitters: PubMed 34456592.